The following is an entry in ClinVar:

ClinVar aggregate classification (germline): Uncertain significance. Review status: criteria provided, multiple submitters, no conflicts (2 of 4 stars). 3 submissions from 3 submitters: Uncertain significance (3). Last evaluated 2025-01-20.

Conditions:
Charcot-Marie-Tooth disease type 2R. Also called: CHARCOT-MARIE-TOOTH DISEASE, AXONAL, AUTOSOMAL RECESSIVE, TYPE 2R; CHARCOT-MARIE-TOOTH NEUROPATHY, TYPE 2R; Charcot-Marie-Tooth disease, axonal, type 2R. Identifiers: Orphanet 397968, MedGen C3809655, MONDO:0014208, OMIM 615490.

Allele frequency attached by ClinVar (database versions not stated): gnomAD 0.00004 and 0.00005; ExAC 0.00007; TOPMed 0.00007; gnomAD exomes 0.00008 and 0.00011; ESP Exome Variant Server 0.00015; 1000 Genomes Project 30x 0.00016; 1000 Genomes Project 0.00020.
gnomAD v4.1: 165 of 1,612,472 alleles (0.01%); highest among the groups gnomAD compares: Non-Finnish European, 0.013%; no homozygotes.

Submissions (3):

Labcorp Genetics (formerly Invitae), Labcorp
Classification: Uncertain significance for Charcot-Marie-Tooth disease type 2R. Last evaluated: 2025-01-20. Review status: criteria provided, single submitter. Criteria: Invitae Variant Classification Sherloc (09022015). Collection method: clinical testing. Allele origin: germline.
Comment: This sequence change replaces isoleucine, which is neutral and non-polar, with valine, which is neutral and non-polar, at codon 637 of the TRIM2 protein (p.Ile637Val). This variant is present in population databases (rs140853898, gnomAD 0.01%). This variant has not been reported in the literature in individuals affected with TRIM2-related conditions. ClinVar contains an entry for this variant (Variation ID: 566433). An algorithm developed to predict the effect of missense changes on protein structure and function (PolyPhen-2) suggests that this variant¬†is likely to be tolerated. In summary, the available evidence is currently insufficient to determine the role of this variant in disease. Therefore, it has been classified as a Variant of Uncertain Significance.

Mayo Clinic Laboratories, Mayo Clinic
Classification: Uncertain significance. Last evaluated: 2024-07-19. Review status: criteria provided, single submitter. Criteria: ACMG Guidelines, 2015. Collection method: clinical testing. Allele origin: germline. Observed: 1 variant allele.
Comment: BP4_moderate, PM2

GeneDx
Classification: Uncertain significance. Last evaluated: 2020-12-14. Review status: criteria provided, single submitter. Criteria: GeneDx Variant Classification Process June 2021. Collection method: clinical testing. Allele origin: germline. Affected: yes.
Comment: Not observed at a significant frequency in large population cohorts (Lek et al., 2016); In silico analysis supports that this missense variant does not alter protein structure/function; Has not been previously published as pathogenic or benign to our knowledge

NM_015271.5(TRIM2):c.1990A>G (p.Ile664Val)

Gene: TRIM2 (tripartite motif containing 2; plus strand). Cytogenetic location: 4q31.3.
Variant type: single nucleotide variant.
Coding change: c.1990A>G on transcript NM_015271.5 (MANE Select); coding-DNA position 1990, A replaced by G.
Protein change: p.Ile664Val; replaces isoleucine 664 with valine.
Molecular consequence: missense variant.
Genome position (GRCh38, 1-based): chr4:153,324,116, A>G. VCF-style: chr4-153324116-A-G. GRCh37 (hg19) VCF-style: chr4-154245268-A-G.
Other names: p.Ile637Val; c.1909A>G, p.Ile637Val (NM_001130067.2); c.1975A>G, p.Ile659Val (NM_001351054.2); c.1972A>G, p.Ile658Val (NM_001351055.2); c.1921A>G, p.Ile641Val (NM_001351056.2); c.1534A>G, p.Ile512Val (NM_001351057.2); short protein forms I637V, I659V, I512V, I641V, I658V, I664V.
Identifiers: ClinVar variation 566433 (VCV000566433.12), dbSNP rs140853898, ClinGen allele CA3108875.
Genomic context (GRCh38, chr4:153,324,116, plus strand): 5'-TTTTTTTCCATCTTTATTGCAGGTCCCCATTTTGCAGCTGTAAATAGCAATAATGAGATT[A>G]TTATTACAGATTTCCATAATCATTCTGTCAAGGTACTACAAGCACATGAGTTGTTGTTAA-3'
Protein context (NP_056086.2, residues 654-674): FAAVNSNNEI[Ile664Val]ITDFHNHSVK